The following is an entry in ClinVar:

ClinVar aggregate classification (germline): Likely pathogenic (1 of 4 stars; one submission).

Conditions:
Atypical hemolytic-uremic syndrome. Identifiers: Orphanet 2134, MedGen C2931788, MONDO:0016244.

Submission:

Genomenon, Inc
Classification: Likely pathogenic for Atypical hemolytic-uremic syndrome. Last evaluated: 2026-09-17. Review status: criteria provided, single submitter. Criteria: Genomenon Sequence Variant Interpretation Standards - Updated. Collection method: curation. Allele origin: germline. Affected: yes.
Comment: CFB p.Val455Ile (c.1363G>A) is a missense variant that changes the amino acid at codon 455 from Valine to Isoleucine. This variant has been observed in at least one proband affected with atypical hemolytic-uremic syndrome (PMID:30890598;20016463). Functional studies have been reported (PMID:24652797). This variant is located in a mutational hotspot and/or important functional domain. It is absent or not present at a significant frequency in gnomAD. In conclusion, we classify CFB p.Val455Ile (c.1363G>A) as a likely pathogenic variant.

Literature cited by the submitters: PubMed 30890598; PubMed 20016463; PubMed 24652797.

NM_001710.6(CFB):c.1363G>A (p.Val455Ile)

Gene: CFB (complement factor B; plus strand). Cytogenetic location: 6p21.33.
Variant type: single nucleotide variant.
Coding change: c.1363G>A on transcript NM_001710.6 (MANE Select); coding-DNA position 1363, G replaced by A.
Protein change: p.Val455Ile; replaces valine 455 with isoleucine.
Molecular consequence: missense variant.
Genome position (GRCh38, 1-based): chr6:31,949,512, G>A. VCF-style: chr6-31949512-G-A. GRCh37 (hg19) VCF-style: chr6-31917289-G-A.
Other names: short protein forms V455I.
Identifiers: ClinVar variation 4280412 (VCV004280412.2).